The following is an entry in ClinVar:

NM_000051.4(ATM):c.8175T>A (p.Asp2725Glu)

Genes: ATM (ATM serine/threonine kinase; plus strand), C11orf65 (chromosome 11 open reading frame 65; minus strand). Cytogenetic location: 11q22.3.
Variant type: single nucleotide variant.
Coding change: c.8175T>A on transcript NM_000051.4 (MANE Select); coding-DNA position 8175, T replaced by A.
Protein change: p.Asp2725Glu; replaces aspartic acid 2725 with glutamic acid.
Molecular consequence: missense variant. On other transcripts: intron variant (2).
Genome position (GRCh38, 1-based): chr11:108,335,868, T>A. VCF-style: chr11-108335868-T-A. GRCh37 (hg19) VCF-style: chr11-108206595-T-A.
Other names: c.8175T>A, p.Asp2725Glu (NM_001351834.2); c.641-26797A>T (NM_001330368.2); c.695-576A>T (NM_001351110.2); short protein forms D2725E.
Identifiers: ClinVar variation 827488 (VCV000827488.14), dbSNP rs1431188311, ClinGen allele CA382562503.

ClinVar aggregate classification (germline): Uncertain significance. Review status: criteria provided, multiple submitters, no conflicts (2 of 4 stars). 2 submissions from 2 submitters: Uncertain significance (2). Last evaluated 2025-12-01.

Conditions:
Hereditary cancer-predisposing syndrome. Also called: Tumor predisposition; Neoplastic Syndromes, Hereditary; Hereditary Cancer Syndrome; Hereditary neoplastic syndrome. Identifiers: Orphanet 140162, MedGen C0027672, MeSH D009386, MONDO:0015356.
Ataxia-telangiectasia syndrome (AT). Also called: ATAXIA-TELANGIECTASIA, COMPLEMENTATION GROUP A; ATAXIA-TELANGIECTASIA, FRESNO VARIANT; Ataxia-telangiectasia; Ataxia-telangiectasia, complementation group D; AT, COMPLEMENTATION GROUP C; Ataxia-telangiectasia, complementation group E. Identifiers: Orphanet 100, MedGen C0004135, MONDO:0008840, OMIM 208900.

Allele frequency attached by ClinVar (database versions not stated): gnomAD 0.00001; TOPMed below 0.00001; gnomAD exomes below 0.00001.
gnomAD v4.1: 2 of 1,613,828 alleles (0.00012%); highest among the groups gnomAD compares: Non-Finnish European, 0.00017%; no homozygotes.

Submissions (2):

Labcorp Genetics (formerly Invitae), Labcorp
Classification: Uncertain significance for Ataxia-telangiectasia syndrome. Last evaluated: 2025-12-01. Review status: criteria provided, single submitter. Criteria: Invitae Variant Classification Sherloc (09022015). Collection method: clinical testing. Allele origin: germline.
Comment: This sequence change replaces aspartic acid, which is acidic and polar, with glutamic acid, which is acidic and polar, at codon 2725 of the ATM protein (p.Asp2725Glu). This variant is not present in population databases (gnomAD no frequency). This variant has not been reported in the literature in individuals affected with ATM-related conditions. ClinVar contains an entry for this variant (Variation ID: 827488). Invitae Evidence Modeling of protein sequence and biophysical properties (such as structural, functional, and spatial information, amino acid conservation, physicochemical variation, residue mobility, and thermodynamic stability) has been performed for this missense variant. However, the output from this modeling did not meet the statistical confidence thresholds required to predict the impact of this variant on ATM protein function. In summary, the available evidence is currently insufficient to determine the role of this variant in disease. Therefore, it has been classified as a Variant of Uncertain Significance.

Ambry Genetics
Classification: Uncertain significance for Hereditary cancer-predisposing syndrome. Last evaluated: 2019-10-09. Review status: criteria provided, single submitter. Criteria: Ambry Variant Classification Scheme 2023. Collection method: clinical testing. Allele origin: germline.
Comment: The p.D2725E variant (also known as c.8175T>A), located in coding exon 55 of the ATM gene, results from a T to A substitution at nucleotide position 8175. The aspartic acid at codon 2725 is replaced by glutamic acid, an amino acid with highly similar properties. This amino acid position is highly conserved in available vertebrate species. In addition, this alteration is predicted to be deleterious by in silico analysis. Since supporting evidence is limited at this time, the clinical significance of this alteration remains unclear.